The following is an entry in ClinVar:

NM_006702.5(PNPLA6):c.-43+3G>A

Gene: PNPLA6 (patatin like domain 6, lysophospholipase; plus strand). Cytogenetic location: 19p13.2.
Variant type: single nucleotide variant.
Coding change: c.-43+3G>A on transcript NM_006702.5; 3 bases into the intron after 43 bases upstream of the start codon, G replaced by A.
Molecular consequence: intron variant.
Genome position (GRCh38, 1-based): chr19:7,534,905, G>A. VCF-style: chr19-7534905-G-A. GRCh37 (hg19) VCF-style: chr19-7599791-G-A.
Other names: c.-43+3G>A (NM_001166112.2, NM_001166111.2); c.-119+3G>A (NM_001166113.1).
Identifiers: ClinVar variation 509719 (VCV000509719.7), dbSNP rs185247203, ClinGen allele CA304859127.

ClinVar aggregate classification (germline): Conflicting classifications of pathogenicity. Review status: criteria provided, conflicting classifications (1 of 4 stars). 2 submissions from 2 submitters: Uncertain significance (1); Likely benign (1). Last evaluated 2018-01-13.

Conditions:
Hereditary spastic paraplegia 39 (SPG39). Also called: SPASTIC PARAPLEGIA 39, AUTOSOMAL RECESSIVE; Spastic Paraplegia Type 39 (SPG39). Identifiers: Orphanet 139480, MedGen C2677586, MONDO:0012787, OMIM 612020.

Allele frequency attached by ClinVar (database versions not stated): TOPMed 0.00318; gnomAD exomes 0.00064; 1000 Genomes Project 0.00399; gnomAD 0.00262 and 0.00274; 1000 Genomes Project 30x 0.00437.
gnomAD v4.1: 401 of 160,354 alleles (0.25%); highest among the groups gnomAD compares: African/African-American, 0.92%; 2 homozygotes.

Submissions (2):

Illumina Laboratory Services, Illumina
Classification: Uncertain significance for Hereditary spastic paraplegia 39. Last evaluated: 2018-01-13. Review status: criteria provided, single submitter. Criteria: ICSL Variant Classification Criteria 13 December 2019. Collection method: clinical testing. Allele origin: germline.

GeneDx
Classification: Likely benign. Last evaluated: 2017-12-11. Review status: criteria provided, single submitter. Criteria: GeneDx Variant Classification (06012015). Collection method: clinical testing. Allele origin: germline. Affected: yes.
Comment: This variant is considered likely benign or benign based on one or more of the following criteria: it is a conservative change, it occurs at a poorly conserved position in the protein, it is predicted to be benign by multiple in silico algorithms, and/or has population frequency not consistent with disease.